The following is an entry in ClinVar:

ClinVar aggregate classification (germline): Uncertain significance (1 of 4 stars; one submission).

Conditions:
Maple syrup urine disease (MSUD). Identifiers: Orphanet 511, MedGen C0024776, MeSH D008375, MONDO:0009563. Disease mechanism: loss of function.

Allele frequency attached by ClinVar (database versions not stated): gnomAD exomes below 0.00001.
gnomAD v4.1: 1 of 1,614,182 alleles (0.000062%); highest among the groups gnomAD compares: Admixed American, 0.0017%; no homozygotes.

Submission:

Labcorp Genetics (formerly Invitae), Labcorp
Classification: Uncertain significance for Maple syrup urine disease. Last evaluated: 2024-12-02. Review status: criteria provided, single submitter. Criteria: Invitae Variant Classification Sherloc (09022015). Collection method: clinical testing. Allele origin: germline.
Comment: This sequence change replaces lysine, which is basic and polar, with glutamine, which is neutral and polar, at codon 295 of the DBT protein (p.Lys295Gln). This variant is present in population databases (no rsID available, gnomAD 0.003%). This variant has not been reported in the literature in individuals affected with DBT-related conditions. ClinVar contains an entry for this variant (Variation ID: 1473470). An algorithm developed to predict the effect of missense changes on protein structure and function outputs the following: PolyPhen-2: "Benign". The glutamine amino acid residue is found in multiple mammalian species, which suggests that this missense change does not adversely affect protein function. In summary, the available evidence is currently insufficient to determine the role of this variant in disease. Therefore, it has been classified as a Variant of Uncertain Significance.

NM_001918.5(DBT):c.883A>C (p.Lys295Gln)

Gene: DBT (dihydrolipoamide branched chain transacylase E2; minus strand). Cytogenetic location: 1p21.2.
Variant type: single nucleotide variant.
Coding change: c.883A>C on transcript NM_001918.5 (MANE Select); coding-DNA position 883, A replaced by C.
Protein change: p.Lys295Gln; replaces lysine 295 with glutamine.
Molecular consequence: missense variant.
Genome position (GRCh38, 1-based): chr1:100,214,873, T>G on the plus strand (A>C on the coding strand, the complement: DBT is on the minus strand). VCF-style: chr1-100214873-T-G. GRCh37 (hg19) VCF-style: chr1-100680429-T-G.
Other names: short protein forms K295Q.
Identifiers: ClinVar variation 1473470 (VCV001473470.6), dbSNP rs1158505606, ClinGen allele CA341337294.